The following is an entry in ClinVar:

ClinVar aggregate classification (germline): Uncertain significance (1 of 4 stars; one submission).

Conditions:
WDPCP-related disorder. Also called: WDPCP-related condition.

Submission:

PreventionGenetics, part of Exact Sciences
Classification: Uncertain significance for WDPCP-related condition. Last evaluated: 2025-08-11. Review status: criteria provided, single submitter. Criteria: ACMG Guidelines, 2015. Collection method: clinical testing. Allele origin: germline.
Comment: The WDPCP c.597C>G variant is predicted to result in the amino acid substitution p.Asn199Lys. To our knowledge, this variant has not been reported in the literature or in a large population database (gnomAD), indicating this variant is rare. At this time, the clinical significance of this variant is uncertain due to the absence of conclusive functional and genetic evidence.

NM_015910.7(WDPCP):c.597C>G (p.Asn199Lys)

Gene: WDPCP (WD repeat containing planar cell polarity effector; minus strand). Cytogenetic location: 2p15.
Variant type: single nucleotide variant.
Coding change: c.597C>G on transcript NM_015910.7 (MANE Select); coding-DNA position 597, C replaced by G.
Protein change: p.Asn199Lys; replaces asparagine 199 with lysine.
Molecular consequence: missense variant. On other transcripts: non-coding transcript variant (3).
Genome position (GRCh38, 1-based): chr2:63,437,457, G>C on the plus strand (C>G on the coding strand, the complement: WDPCP is on the minus strand). VCF-style: chr2-63437457-G-C. GRCh37 (hg19) VCF-style: chr2-63664591-G-C.
Other names: c.120C>G, p.Asn40Lys (NM_001042692.3); c.525C>G, p.Asn175Lys (NM_001354044.2); c.597C>G, p.Asn199Lys (NM_001354045.2); short protein forms N40K, N175K, N199K.
Identifiers: ClinVar variation 4983503 (VCV004983503.1).